The following is an entry in ClinVar:

NM_001042492.3(NF1):c.*2201G>A

Gene: NF1 (neurofibromin 1; plus strand). Cytogenetic location: 17q11.2.
Variant type: single nucleotide variant.
Coding change: c.*2201G>A on transcript NM_001042492.3 (MANE Select); 2201 bases downstream of the stop codon, G replaced by A.
Molecular consequence: 3 prime UTR variant.
Genome position (GRCh38, 1-based): chr17:31,376,356, G>A. VCF-style: chr17-31376356-G-A. GRCh37 (hg19) VCF-style: chr17-29703374-G-A.
Other names: c.*2201G>A (NM_000267.4).
Identifiers: ClinVar variation 322597 (VCV000322597.6), dbSNP rs7406983, ClinGen allele CA10649848.

ClinVar aggregate classification (germline): Benign. Review status: criteria provided, multiple submitters, no conflicts (2 of 4 stars). 5 submissions from 2 submitters: Benign (5). Last evaluated 2018-01-13.

Conditions:
Neurofibromatosis, familial spinal (FSNF). Identifiers: Orphanet 636, MedGen C1834235, MONDO:0008078, OMIM 162210. Disease mechanism: loss of function.
Neurofibromatosis, type 1 (NF1). Also called: VON RECKLINGHAUSEN DISEASE; NEUROFIBROMATOSIS, TYPE I, SOMATIC; Neurofibromatosis, type I; Peripheral type neurofibromatosis. Identifiers: Orphanet 636, MedGen C0027831, MONDO:0018975, OMIM 162200. Disease mechanism: loss of function.
Neurofibromatosis-Noonan syndrome (NFNS). Also called: NEUROFIBROMATOSIS WITH NOONAN PHENOTYPE. Identifiers: Orphanet 638, MedGen C2931482, MONDO:0011035, OMIM 601321. Disease mechanism: loss of function.
Café-au-lait macules with pulmonary stenosis (WTSN). Also called: PULMONIC STENOSIS WITH CAFE-AU-LAIT SPOTS. Identifiers: MedGen C0553586, MONDO:0008672, OMIM 193520.

Allele frequency attached by ClinVar (database versions not stated): gnomAD exomes 0.35836; gnomAD 0.45709 and 0.46089; 1000 Genomes Project 0.53055; 1000 Genomes Project 30x 0.53873; TOPMed 0.47532.
gnomAD v4.1: 98,106 of 232,640 alleles (42%); highest among the groups gnomAD compares: African/African-American, 76%; 24,917 homozygotes.

Submissions (5):

Illumina Laboratory Services, Illumina
Classification: Benign for Café-au-lait macules with pulmonary stenosis. Last evaluated: 2018-01-13. Review status: criteria provided, single submitter. Criteria: ICSL Variant Classification Criteria 13 December 2019. Collection method: clinical testing. Allele origin: germline.
Comment: This variant was observed in the ICSL laboratory as part of a predisposition screen in an ostensibly healthy population. It had not been previously curated by ICSL or reported in the Human Gene Mutation Database (HGMD: prior to June 1st, 2018), and was therefore a candidate for classification through an automated scoring system. Utilizing variant allele frequency, disease prevalence and penetrance estimates, and inheritance mode, an automated score was calculated to assess if this variant is too frequent to cause the disease. Based on the score and internal cut-off values, a variant classified as benign is not then subjected to further curation. The score for this variant resulted in a classification of benign for this disease.

Illumina Laboratory Services, Illumina
Classification: Benign for Neurofibromatosis, type 1. Last evaluated: 2018-01-13. Review status: criteria provided, single submitter. Criteria: ICSL Variant Classification Criteria 13 December 2019. Collection method: clinical testing. Allele origin: germline.
Comment: the same text as in the submission from Illumina Laboratory Services, Illumina above.

Illumina Laboratory Services, Illumina
Classification: Benign for Neurofibromatosis-Noonan syndrome. Last evaluated: 2018-01-13. Review status: criteria provided, single submitter. Criteria: ICSL Variant Classification Criteria 13 December 2019. Collection method: clinical testing. Allele origin: germline.
Comment: the same text as in the submission from Illumina Laboratory Services, Illumina above.

Illumina Laboratory Services, Illumina
Classification: Benign for Neurofibromatosis, familial spinal. Last evaluated: 2018-01-13. Review status: criteria provided, single submitter. Criteria: ICSL Variant Classification Criteria 13 December 2019. Collection method: clinical testing. Allele origin: germline.
Comment: the same text as in the submission from Illumina Laboratory Services, Illumina above.

Breakthrough Genomics
Classification: Benign. Review status: criteria provided, single submitter. Criteria: ACMG Guidelines, 2015. Collection method: not provided. Allele origin: germline. Inheritance: Autosomal dominant inheritance. Affected: yes.